The following is an entry in ClinVar:

ClinVar aggregate classification (germline): Benign/Likely benign. Review status: criteria provided, multiple submitters, no conflicts (2 of 4 stars). 13 submissions from 13 submitters: Benign (4); Likely benign (6). 3 of the submissions do not count toward it. Last evaluated 2026-05-01.

Conditions:
ALPK3-related disorder. Also called: ALPK3-related condition.
Cardiomyopathy, familial hypertrophic 27. Identifiers: MedGen C4748014, MONDO:0054838, OMIM 618052.
Cardiovascular phenotype. Identifiers: MedGen CN230736.

Allele frequency attached by ClinVar (database versions not stated): 1000 Genomes Project 0.00180; 1000 Genomes Project 30x 0.00187; TOPMed 0.00235; ExAC 0.00271; gnomAD exomes 0.00276 and 0.00346; gnomAD 0.00290 and 0.00293; ESP Exome Variant Server 0.00331.
gnomAD v4.1: 5,480 of 1,614,174 alleles (0.34%); highest among the groups gnomAD compares: Non-Finnish European, 0.38%; 21 homozygotes.

Submissions (13):

CeGaT Center for Human Genetics Tuebingen
Classification: Likely benign. Last evaluated: 2026-05-01. Review status: criteria provided, single submitter. Criteria: CeGaT Center For Human Genetics Tuebingen Variant Classification Criteria Version 2. Collection method: clinical testing. Allele origin: germline. Affected: yes. Observed: 9 variant alleles.
Comment: ALPK3: BP4, BP7, BS2

Molecular Diagnostic Laboratory for Inherited Cardiovascular Disease, Montreal Heart Institute
Classification: Benign. Last evaluated: 2026-03-27. Review status: criteria provided, single submitter. Criteria: ACMG Guidelines, 2015. Collection method: clinical testing. Allele origin: germline. Affected: no.

Labcorp Genetics (formerly Invitae), Labcorp
Classification: Benign. Last evaluated: 2026-01-28. Review status: criteria provided, single submitter. Criteria: Invitae Variant Classification Sherloc (09022015). Collection method: clinical testing. Allele origin: germline.

ARUP Laboratories, Molecular Genetics and Genomics, ARUP Laboratories
Classification: Likely benign for Cardiomyopathy, familial hypertrophic 27. Last evaluated: 2025-06-03. Review status: criteria provided, single submitter. Criteria: ARUP Molecular Germline Variant Investigation Process 2024. Collection method: clinical testing. Allele origin: germline.

Blueprint Genetics
Classification: Likely benign. Last evaluated: 2024-11-27. Review status: criteria provided, single submitter. Criteria: ACMG Guidelines, 2015. Collection method: clinical testing. Allele origin: germline.

Women's Health and Genetics/Laboratory Corporation of America, LabCorp
Classification: Likely benign. Last evaluated: 2024-09-22. Review status: criteria provided, single submitter. Criteria: LabCorp Variant Classification Summary - May 2015. Collection method: clinical testing. Allele origin: germline.

Mayo Clinic Laboratories, Mayo Clinic
Classification: Benign. Last evaluated: 2024-09-06. Review status: criteria provided, single submitter. Criteria: ACMG Guidelines, 2015. Collection method: clinical testing. Allele origin: germline. Observed: 4 variant alleles.
Comment: BS1, BS2, BP4, BP7

GeneDx
Classification: Likely benign. Last evaluated: 2020-10-21. Review status: criteria provided, single submitter. Criteria: GeneDx Variant Classification Process June 2021. Collection method: clinical testing. Allele origin: germline. Affected: yes.

Ambry Genetics
Classification: Benign for Cardiovascular phenotype. Last evaluated: 2019-01-25. Review status: criteria provided, single submitter. Criteria: Ambry Variant Classification Scheme 2023. Collection method: clinical testing. Allele origin: germline.

Breakthrough Genomics
Classification: Likely benign. Review status: criteria provided, single submitter. Criteria: ACMG Guidelines, 2015. Collection method: not provided. Allele origin: germline. Inheritance: Autosomal recessive inheritance. Affected: yes.

PreventionGenetics, part of Exact Sciences
Classification: Likely benign for ALPK3-related condition. Last evaluated: 2019-02-21. Review status: no assertion criteria provided. Collection method: clinical testing. Allele origin: germline. Not counted in ClinVar's aggregate classification.
Comment: This variant is classified as likely benign based on ACMG/AMP sequence variant interpretation guidelines (Richards et al. 2015 PMID: 25741868, with internal and published modifications).

Clinical Genetics DNA and cytogenetics Diagnostics Lab, Erasmus MC, Erasmus Medical Center
Classification: Likely benign. Review status: no assertion criteria provided. Collection method: clinical testing. Allele origin: germline. Affected: yes. Study: VKGL Data-share Consensus. Not counted in ClinVar's aggregate classification.

Clinical Genetics, Academic Medical Center
Classification: Benign. Review status: no assertion criteria provided. Collection method: clinical testing. Allele origin: germline. Affected: yes. Study: VKGL Data-share Consensus. Not counted in ClinVar's aggregate classification.

NM_020778.5(ALPK3):c.2367T>C (p.Thr789=)

Gene: ALPK3 (alpha kinase 3; plus strand). Cytogenetic location: 15q25.3.
Variant type: single nucleotide variant.
Coding change: c.2367T>C on transcript NM_020778.5 (MANE Select); coding-DNA position 2367, T replaced by C.
Protein change: p.Thr789=; no amino-acid change (threonine 789 retained).
Molecular consequence: synonymous variant.
Genome position (GRCh38, 1-based): chr15:84,857,105, T>C. VCF-style: chr15-84857105-T-C. GRCh37 (hg19) VCF-style: chr15-85400336-T-C.
Other names: p.Thr991=.
Identifiers: ClinVar variation 389381 (VCV000389381.54), dbSNP rs55727747, ClinGen allele CA7709397.
Genomic context (GRCh38, chr15:84,857,105, plus strand): 5'-TGGTTGCCTGCCCAGATCTGAGGAGGCAGTAGTAACAGCCTCCAGGAACCATGAGCAAAC[T>C]GTGCTGGGTCCCCTGTCAGGGAACCTCATGCTCCCAGCACAGCCGCCCCATGAGGGGAGT-3'
Protein context (NP_065829.4, residues 779-799): VVTASRNHEQ[Thr789=]VLGPLSGNLM